The following is an entry in ClinVar:

ClinVar aggregate classification (germline): Benign/Likely benign. Review status: criteria provided, multiple submitters, no conflicts (2 of 4 stars). 7 submissions from 7 submitters: Benign (4); Likely benign (2). 1 of the submissions does not count toward it. Last evaluated 2026-09-01.

Conditions:
Inborn genetic diseases. Identifiers: MedGen C0950123, MeSH D030342.
CHD8-related disorder. Also called: CHD8-related condition; CHD8-related disorders.

Allele frequency attached by ClinVar (database versions not stated): 1000 Genomes Project 0.00300; TOPMed 0.00432; gnomAD 0.00436 and 0.00450; 1000 Genomes Project 30x 0.00437; gnomAD exomes 0.00505; ESP Exome Variant Server 0.00569; ExAC 0.00686.
gnomAD v4.1: 10,227 of 1,538,226 alleles (0.66%); highest among the groups gnomAD compares: Non-Finnish European, 0.8%; 35 homozygotes.

Submissions (7):

CeGaT Center for Human Genetics Tuebingen
Classification: Benign. Last evaluated: 2026-09-01. Review status: criteria provided, single submitter. Criteria: CeGaT Center For Human Genetics Tuebingen Variant Classification Criteria Version 2. Collection method: clinical testing. Allele origin: germline. Affected: yes. Observed: 26 variant alleles.
Comment: CHD8: BP4, BP7, BS1, BS2

Labcorp Genetics (formerly Invitae), Labcorp
Classification: Benign. Last evaluated: 2026-01-17. Review status: criteria provided, single submitter. Criteria: Invitae Variant Classification Sherloc (09022015). Collection method: clinical testing. Allele origin: germline.

GeneDx
Classification: Benign. Last evaluated: 2019-01-14. Review status: criteria provided, single submitter. Criteria: GeneDx Variant Classification Process June 2021. Collection method: clinical testing. Allele origin: germline. Affected: yes.

Ambry Genetics
Classification: Likely benign for Inborn genetic diseases. Last evaluated: 2016-05-12. Review status: criteria provided, single submitter. Criteria: Ambry Variant Classification Scheme 2023. Collection method: clinical testing. Allele origin: germline.

Eurofins Ntd Llc (ga)
Classification: Benign. Last evaluated: 2015-03-26. Review status: criteria provided, single submitter. Criteria: EGL Classification Definitions 2015. Collection method: clinical testing. Allele origin: germline. Observed: 1 variant allele, 1 heterozygote.

Breakthrough Genomics
Classification: Likely benign. Review status: criteria provided, single submitter. Criteria: ACMG Guidelines, 2015. Collection method: not provided. Allele origin: germline. Inheritance: Autosomal dominant inheritance. Affected: yes.

PreventionGenetics, part of Exact Sciences
Classification: Benign for CHD8-related condition. Last evaluated: 2021-06-30. Review status: no assertion criteria provided. Collection method: clinical testing. Allele origin: germline. Not counted in ClinVar's aggregate classification.
Comment: This variant is classified as benign based on ACMG/AMP sequence variant interpretation guidelines (Richards et al. 2015 PMID: 25741868, with internal and published modifications).

NM_001170629.2(CHD8):c.27C>T (p.Phe9=)

Gene: CHD8 (chromodomain helicase DNA binding protein 8; minus strand). Cytogenetic location: 14q11.2.
Variant type: single nucleotide variant.
Coding change: c.27C>T on transcript NM_001170629.2 (MANE Select); coding-DNA position 27, C replaced by T.
Protein change: p.Phe9=; no amino-acid change (phenylalanine 9 retained).
Molecular consequence: synonymous variant. On other transcripts: intron variant (1).
Genome position (GRCh38, 1-based): chr14:21,431,617, G>A on the plus strand (C>T on the coding strand, the complement: CHD8 is on the minus strand). VCF-style: chr14-21431617-G-A. GRCh37 (hg19) VCF-style: chr14-21899776-G-A.
Other names: c.6+194C>T (NM_020920.4).
Identifiers: ClinVar variation 193187 (VCV000193187.52), dbSNP rs75191413, ClinGen allele CA200390.